The following is an entry in ClinVar:

ClinVar aggregate classification (germline): Uncertain significance. Review status: criteria provided, multiple submitters, no conflicts (2 of 4 stars). 3 submissions from 3 submitters: Uncertain significance (3). Last evaluated 2023-05-04.

Conditions:
Inborn genetic diseases. Identifiers: MedGen C0950123, MeSH D030342.
Multiple acyl-CoA dehydrogenase deficiency (MADD). Also called: ETHYLMALONIC-ADIPICACIDURIA; GA II; Glutaric Acidemia type 2; Glutaric aciduria, type 2; Glutaric acidemia type II; GA 2. Identifiers: Orphanet 26791, MedGen C0268596, MONDO:0009282, OMIM 231680.

Allele frequency attached by ClinVar (database versions not stated): ESP Exome Variant Server 0.00008.
gnomAD v4.1: 18 of 1,612,310 alleles (0.0011%); highest among the groups gnomAD compares: Non-Finnish European, 0.0015%; no homozygotes.

Submissions (3):

Mayo Clinic Laboratories, Mayo Clinic
Classification: Uncertain significance. Last evaluated: 2023-05-04. Review status: criteria provided, single submitter. Criteria: ACMG Guidelines, 2015. Collection method: clinical testing. Allele origin: germline. Observed: 1 variant allele.
Comment: PP3

Labcorp Genetics (formerly Invitae), Labcorp
Classification: Uncertain significance for Multiple acyl-CoA dehydrogenase deficiency. Last evaluated: 2021-11-25. Review status: criteria provided, single submitter. Criteria: Invitae Variant Classification Sherloc (09022015). Collection method: clinical testing. Allele origin: germline.
Comment: This sequence change replaces aspartic acid, which is acidic and polar, with histidine, which is basic and polar, at codon 167 of the ETFB protein (p.Asp167His). This variant is present in population databases (rs140614695, gnomAD 0.002%). This variant has not been reported in the literature in individuals affected with ETFB-related conditions. Algorithms developed to predict the effect of missense changes on protein structure and function (SIFT, PolyPhen-2, Align-GVGD) all suggest that this variant is likely to be disruptive. In summary, the available evidence is currently insufficient to determine the role of this variant in disease. Therefore, it has been classified as a Variant of Uncertain Significance.

Ambry Genetics
Classification: Uncertain significance for Inborn genetic diseases. Last evaluated: 2021-10-12. Review status: criteria provided, single submitter. Criteria: Ambry Variant Classification Scheme 2023. Collection method: clinical testing. Allele origin: germline.

NM_001985.3(ETFB):c.499G>C (p.Asp167His)

Gene: ETFB (electron transfer flavoprotein subunit beta; minus strand). Cytogenetic location: 19q13.41.
Variant type: single nucleotide variant.
Coding change: c.499G>C on transcript NM_001985.3 (MANE Select); coding-DNA position 499, G replaced by C.
Protein change: p.Asp167His; replaces aspartic acid 167 with histidine.
Molecular consequence: missense variant.
Genome position (GRCh38, 1-based): chr19:51,346,998, C>G on the plus strand (G>C on the coding strand, the complement: ETFB is on the minus strand). VCF-style: chr19-51346998-C-G. GRCh37 (hg19) VCF-style: chr19-51850252-C-G.
Other names: p.Asp167His; c.499G>C (NM_001985.2); c.772G>C, p.Asp258His (NM_001014763.1); short protein forms D167H, D258H.
Identifiers: ClinVar variation 1373300 (VCV001373300.5), dbSNP rs140614695, ClinGen allele CA9610729.
Genomic context (GRCh38, chr19:51,346,998, plus strand): 5'-GCCTCAGGTCAGCTGTCACCACAGCTGGCAGCTTCAGGCGCAGGGTCTCCAGGCCCCCAT[C>G]GATCTCCCGCTCCACTTTCAACTTGTCCCCCTCCAGCGTCACCTGGGAGGCGAATGTGCC-3'
Protein context (NP_001976.1, residues 157-177): GDKLKVEREI[Asp167His]GGLETLRLKL